The following is an entry in ClinVar:

ClinVar aggregate classification (germline): Benign/Likely benign. Review status: criteria provided, multiple submitters, no conflicts (2 of 4 stars). 5 submissions from 5 submitters: Benign (1); Likely benign (3). 1 of the submissions does not count toward it. Last evaluated 2026-04-14.

Conditions:
Hereditary cancer-predisposing syndrome. Also called: Hereditary neoplastic syndrome; Neoplastic Syndromes, Hereditary; Hereditary Cancer Syndrome; Tumor predisposition. Identifiers: Orphanet 140162, MedGen C0027672, MeSH D009386, MONDO:0015356.
DICER1-related tumor predisposition. Also called: DICER1-related pleuropulmonary blastoma cancer predisposition syndrome; DICER1 syndrome. Identifiers: Orphanet 284343, MedGen C3839822, MONDO:0100216.
DICER1-related disorder. Also called: DICER1-related condition.

Allele frequency attached by ClinVar (database versions not stated): gnomAD exomes 0.00001 and 0.00003; ExAC 0.00002; gnomAD 0.00001; TOPMed 0.00002.
gnomAD v4.1: 11 of 1,613,900 alleles (0.00068%); highest among the groups gnomAD compares: Admixed American, 0.015%; no homozygotes.

Submissions (5):

Myriad Genetics, Inc.
Classification: Benign for DICER1-related tumor predisposition. Last evaluated: 2026-04-14. Review status: criteria provided, single submitter. Criteria: Myriad Autosomal Dominant, Autosomal Recessive and X-Linked Classification Criteria (2023). Collection method: clinical testing. Allele origin: unknown.
Comment: This variant is considered benign. This variant is a silent/synonymous amino acid change and it is not expected to impact splicing.

Labcorp Genetics (formerly Invitae), Labcorp
Classification: Likely benign for DICER1-related tumor predisposition. Last evaluated: 2026-01-02. Review status: criteria provided, single submitter. Criteria: Invitae Variant Classification Sherloc (09022015). Collection method: clinical testing. Allele origin: germline.

Quest Diagnostics Nichols Institute San Juan Capistrano
Classification: Likely benign. Last evaluated: 2025-06-26. Review status: criteria provided, single submitter. Criteria: Quest Diagnostics criteria. Collection method: clinical testing. Allele origin: unknown.

Ambry Genetics
Classification: Likely benign for Hereditary cancer-predisposing syndrome. Last evaluated: 2017-07-07. Review status: criteria provided, single submitter. Criteria: Ambry Variant Classification Scheme 2023. Collection method: clinical testing. Allele origin: germline.

PreventionGenetics, part of Exact Sciences
Classification: Likely benign for DICER1-related condition. Last evaluated: 2023-10-30. Review status: no assertion criteria provided. Collection method: clinical testing. Allele origin: germline. Not counted in ClinVar's aggregate classification.
Comment: This variant is classified as likely benign based on ACMG/AMP sequence variant interpretation guidelines (Richards et al. 2015 PMID: 25741868, with internal and published modifications).

NM_177438.3(DICER1):c.162A>C (p.Ala54=)

Gene: DICER1 (dicer 1, ribonuclease III; minus strand). Cytogenetic location: 14q32.13.
Variant type: single nucleotide variant.
Coding change: c.162A>C on transcript NM_177438.3 (MANE Select); coding-DNA position 162, A replaced by C.
Protein change: p.Ala54=; no amino-acid change (alanine 54 retained).
Molecular consequence: synonymous variant.
Genome position (GRCh38, 1-based): chr14:95,132,660, T>G on the plus strand (A>C on the coding strand, the complement: DICER1 is on the minus strand). VCF-style: chr14-95132660-T-G. GRCh37 (hg19) VCF-style: chr14-95598997-T-G.
Other names: c.162A>C, p.Ala54= (NM_001195573.1, NM_001271282.3, NM_001291628.2 and 1 more transcripts).
Identifiers: ClinVar variation 479613 (VCV000479613.23), dbSNP rs776085363, ClinGen allele CA7331721.